The following continues an entry in ClinVar:

NM_001042492.3(NF1):c.3457_3460del (p.Leu1153fs)

Gene: NF1. ClinVar aggregate classification (germline): Pathogenic. Pathogenic (25).

Submissions 11 to 26 of 26:

GeneDx
Classification: Pathogenic. Last evaluated: 2022-08-05. Review status: criteria provided, single submitter. Criteria: GeneDx Variant Classification Process June 2021. Collection method: clinical testing. Allele origin: germline. Affected: yes.
Comment: Frameshift variant predicted to result in protein truncation or nonsense mediated decay in a gene for which loss-of-function is a known mechanism of disease; Not observed in large population cohorts (gnomAD); Also known as 3456delACTC; This variant is associated with the following publications: (PMID: 23668869, 29483232, 18546366, 9003501, 14517963, 29849115, 25541118, 21838856, 24922668, 29146900, 30098238, 31776437, 31717729, 33726816, 33674644, 34427956)

Genome-Nilou Lab
Classification: Pathogenic for Neurofibromatosis, type 1. Last evaluated: 2022-03-15. Review status: criteria provided, single submitter. Criteria: ACMG Guidelines, 2015. Collection method: clinical testing. Allele origin: germline. Affected: no.

Victorian Clinical Genetics Services, Murdoch Childrens Research Institute
Classification: Pathogenic for Neurofibromatosis, type 1. Last evaluated: 2022-02-02. Review status: criteria provided, single submitter. Criteria: ACMG Guidelines, 2015. Collection method: clinical testing. Allele origin: germline. Inheritance: Autosomal dominant inheritance. Affected: yes.
Comment: Based on the classification scheme VCGS_Germline_v1.3.4, this variant is classified as Pathogenic. Following criteria are met: 0102 - Loss of function is a known mechanism of disease in this gene and is associated with neurofibromatosis type 1 (NF1; MIM#162200). (I) 0107 - This gene is associated with autosomal dominant disease. (I) 0115 - Variants in this gene are known to have variable expressivity. A child can be more severely affected than the carrier parent (GeneReviews). (I) 0201 - Variant is predicted to cause nonsense-mediated decay (NMD) and loss of protein (premature termination codon is located at least 54 nucleotides upstream of the final exon-exon junction). (SP) 0251 - This variant is heterozygous. (I) 0301 - Variant is absent from gnomAD (both v2 and v3). (SP) 0701 - Other NMD variants comparable to the one identified in this case have very strong previous evidence for pathogenicity (ClinVar, DECIPHER). (SP) 0801 - This variant has strong previous evidence of pathogenicity in unrelated individuals. It has been reported multiple times as pathogenic in ClinVar and it has been identified in individuals with NF1 (PMID: 31776437). (SP) 1208 - Inheritance information for this variant is not currently available in this individual. (I) Legend: (SP) - Supporting pathogenic, (I) - Information, (SB) - Supporting benign

Sema4
Classification: Pathogenic for Hereditary cancer-predisposing syndrome. Last evaluated: 2022-01-03. Review status: criteria provided, single submitter. Criteria: Sema4 Curation Guidelines. Collection method: curation. Allele origin: germline.
Comment: The NF1 c.3457_3460delCTCA (p.L1153MfsX4) variant has been reported in heterozygosity in at least 4 individuals with neurofibromatosis type 1 (PMID: 29849115, 31776437). It has been reported in one individual with rhabdosarcoma and one individual with myelodysplastic syndrome (PMID: 33674644, 29146900). It has been also reported in a large breast cancer case-control study in 1/60466 cases and 0/53461 controls (PMID: 33471991). The variant causes a frameshift that results in premature termination 4 amino acids downstream. At this location, this variant is predicted to cause loss of normal protein function either through protein truncation or nonsense-mediated mRNA decay. Loss-of-function variants in NF1 are known to be pathogenic (PMID: 10712197, 23913538). This variant is not reported in the population database Genome Aggregation Database (PMID: 32461654). This variant has been reported in ClinVar (Variation ID: 185963). Based on the current evidence available, this variant is interpreted as pathogenic.

Centre of Medical Genetics, University Hospital Muenster
Classification: Pathogenic for Increased nuchal translucency; Cervical lymphadenopathy; Abnormal lymph node morphology. Last evaluated: 2021-12-13. Review status: criteria provided, single submitter. Criteria: ACMG Guidelines, 2015. Collection method: clinical testing. Allele origin: germline. Affected: yes. Observed: 1 variant allele, 1 heterozygote.
Comment: ACMG categories: PVS1,PM1,PM2,PP5

CeGaT Center for Human Genetics Tuebingen
Classification: Pathogenic. Last evaluated: 2021-07-01. Review status: criteria provided, single submitter. Criteria: CeGaT Center For Human Genetics Tuebingen Variant Classification Criteria Version 2. Collection method: clinical testing. Allele origin: germline. Affected: yes. Observed: 1 variant allele.

Division of Genomic Medicine, Department of Advanced Medicine, Medical Research Institute, Kanazawa Medical University
Classification: Pathogenic for Neurofibromatosis, type 1. Last evaluated: 2021-02-03. Review status: criteria provided, single submitter. Criteria: ACMG Guidelines, 2015. Collection method: clinical testing. Allele origin: germline. Affected: yes. Observed: 1 variant allele.

Genome Diagnostics Laboratory, The Hospital for Sick Children
Classification: Pathogenic for Neurofibromatosis, type 1. Last evaluated: 2020-10-26. Review status: criteria provided, single submitter. Criteria: ACMG Guidelines, 2015. Collection method: clinical testing. Allele origin: germline. Affected: yes.

Institute of Medical Genetics and Applied Genomics, University Hospital Tübingen
Classification: Pathogenic. Last evaluated: 2020-10-23. Review status: criteria provided, single submitter. Criteria: ACMG Guidelines, 2015. Collection method: clinical testing. Allele origin: germline. Inheritance: Unknown mechanism. Affected: yes.

Medical Genetics, University of Parma
Classification: Pathogenic for Neurofibromatosis, type 1. Last evaluated: 2019-12-20. Review status: criteria provided, single submitter. Criteria: ACMG Guidelines, 2015. Collection method: clinical testing. Allele origin: germline. Affected: yes.

Athena Diagnostics
Classification: Pathogenic. Last evaluated: 2018-04-25. Review status: criteria provided, single submitter. Criteria: Athena Diagnostics Criteria. Collection method: clinical testing. Allele origin: germline.

Quest Diagnostics Nichols Institute San Juan Capistrano
Classification: Pathogenic. Last evaluated: 2018-04-25. Review status: criteria provided, single submitter. Criteria: Quest Diagnostics criteria. Collection method: clinical testing. Allele origin: unknown.
Comment: This frameshift variant alters the translational reading frame of the NF1 mRNA and causes the premature termination of NF1 protein synthesis. This variant has not been reported in large, multi-ethnic general populations. In the published literature, the variant has been reported in individuals with neurofibromatosis 1 (PMID: 9003501 (1997), 18546366 (2008), 21838856 (2011), 31776437 (2020), 34427956 (2022)) and breast cancer (PMID: 33471991 (2021)). The variant has also been reported in a pediatric case of soft tissue sarcoma (PMID: 33674644 (2021)). Based on the available information, this variant is classified as pathogenic.

Center for Human Genetics, Inc
Classification: Pathogenic for Neurofibromatosis, type 1. Last evaluated: 2016-11-01. Review status: criteria provided, single submitter. Criteria: ACMG Guidelines, 2015. Collection method: clinical testing. Allele origin: germline. Affected: yes.

Ambry Genetics
Classification: Pathogenic for Hereditary cancer-predisposing syndrome. Last evaluated: 2014-08-20. Review status: criteria provided, single submitter. Criteria: Ambry Autosomal Dominant and X-Linked criteria (10/2015). Collection method: clinical testing. Allele origin: germline. Observed: 1 variant allele.
Comment: In addition to the clinical data presented in the literature, s<span style="background-color: initial;">ince frameshifts are typically deleterious in nature, this alteration is interpreted as a disease-causing mutation (ACMG Recommendations for Standards for Interpretation and Reporting of Sequence Variations. Revision 2007. Genet Med. 2008;10:294).

Juno Genomics, Hangzhou Juno Genomics, Inc
Classification: Pathogenic for Neurofibromatosis, type 1. Review status: criteria provided, single submitter. Criteria: ACMG Guidelines, 2015. Collection method: clinical testing. Allele origin: germline. Affected: yes.
Comment: Absent from controls (or at extremely low frequency if recessive) in Genome Aggregation Database, Exome Sequencing Project, 1000 Genomes Project, or Exome Aggregation Consortium.;Null variant in a gene where loss of function (LOF) is a known mechanism of disease.;The prevalence of the variant in affected individuals is significantly increased compared to the prevalence in controls.;Co-segregation with disease in multiple affected family members in a gene definitively known to cause the disease.;Patient's phenotype or family history is highly specific for a disease with a single genetic etiology.

PreventionGenetics, part of Exact Sciences
Classification: Pathogenic for NF1-related condition. Last evaluated: 2024-02-28. Review status: no assertion criteria provided. Collection method: clinical testing. Allele origin: germline. Not counted in ClinVar's aggregate classification.
Comment: The NF1 c.3457_3460delCTCA variant is predicted to result in a frameshift and premature protein termination (p.Leu1153Metfs*4). This variant has previously been reported in individuals with neurofibromatosis type 1 (referred to as 3456delACTC, Upadhyaya et al. 1997. PubMed ID: 9003501; Table 4, Noë et al. 2018. PubMed ID: 29849115; Warejko et al. 2018. PubMed ID: 29483232; Yao et al. 2019. PubMed ID: 31717729). This variant has not been reported in a large population database, indicating this variant is rare. This variant is interpreted as pathogenic in ClinVar. Frameshift variants in NF1 are expected to be pathogenic. This variant is interpreted as pathogenic.

Literature cited by the submitters: PubMed 9003501 (cited by 5 submitters); PubMed 18546366 (cited by 5 submitters); PubMed 21838856 (cited by 5 submitters); PubMed 34427956 (cited by 3 submitters); PubMed 10712197 (cited by Labcorp Genetics (formerly Invitae), Labcorp and Sema4); PubMed 23913538 (cited by Labcorp Genetics (formerly Invitae), Labcorp and Sema4); PubMed 14517963 (cited by 4 submitters); PubMed 25541118 (cited by 3 submitters); PubMed 26969325 (cited by Labcorp Genetics (formerly Invitae), Labcorp); PubMed 33877690 (cited by Illumina Laboratory Services, Illumina); PubMed 33674644 (cited by 3 submitters); PubMed 31717729 (cited by Illumina Laboratory Services, Illumina and Quest Diagnostics Nichols Institute San Juan Capistrano); PubMed 31776437 (cited by 3 submitters); PubMed 29849115 (cited by Sema4); PubMed 29146900 (cited by Sema4); PubMed 33471991 (cited by Sema4 and Quest Diagnostics Nichols Institute San Juan Capistrano); PubMed 23668869 (cited by Athena Diagnostics and Quest Diagnostics Nichols Institute San Juan Capistrano); PubMed 29483232 (cited by Athena Diagnostics).